The following is an entry in ClinVar:

NM_003441.4(ZNF141):c.209_210del (p.Ile70fs)

Gene: ZNF141 (zinc finger protein 141; plus strand). Cytogenetic location: 4p16.3.
Variant type: Deletion.
Coding change: c.209_210del on transcript NM_003441.4 (MANE Select); coding-DNA positions 209 to 210, 2 bases deleted (TC; older notation c.209_210delTC).
Protein change: p.Ile70fs; shifts the reading frame from isoleucine 70.
Molecular consequence: frameshift variant. On other transcripts: intron variant (1).
Genome position (GRCh38, 1-based): chr4:344,413-344,414, TC deleted. VCF-style (leftmost placement, unchanged base first): chr4-344412-ATC-A. GRCh37 (hg19) VCF-style: chr4-338201-ATC-A.
Other names: c.209_210del, p.Ile70fs (NM_001348278.2, NM_001348279.2, NM_001348280.2); c.-3+6427_-3+6428del (NM_001348277.2); short protein forms I70fs.
Identifiers: ClinVar variation 1301650 (VCV001301650.5), dbSNP rs782668952, ClinGen allele CA2791595.

ClinVar aggregate classification (germline): Benign/Likely benign. Review status: criteria provided, multiple submitters, no conflicts (2 of 4 stars). 3 submissions from 3 submitters: Benign (1); Likely benign (1). 1 of the submissions does not count toward it. Last evaluated 2024-11-26.

Conditions:
ZNF141-related disorder. Also called: ZNF141-related condition.

Allele frequency attached by ClinVar (database versions not stated): ExAC 0.00080.

Submissions (3):

Blueprint Genetics
Classification: Likely benign. Last evaluated: 2024-11-26. Review status: criteria provided, single submitter. Criteria: ACMG Guidelines, 2015. Collection method: clinical testing. Allele origin: germline.

Dubai Health Genomic Medicine Center, Dubai Health
Classification: Benign. Last evaluated: 2020-01-06. Review status: criteria provided, single submitter. Criteria: ACMG Guidelines, 2015. Collection method: clinical testing. Allele origin: germline. Affected: yes.

PreventionGenetics, part of Exact Sciences
Classification: Benign for ZNF141-related condition. Last evaluated: 2019-08-21. Review status: no assertion criteria provided. Collection method: clinical testing. Allele origin: germline. Not counted in ClinVar's aggregate classification.
Comment: This variant is classified as benign based on ACMG/AMP sequence variant interpretation guidelines (Richards et al. 2015 PMID: 25741868, with internal and published modifications).